The following is an entry in ClinVar:

ClinVar aggregate classification (germline): Uncertain significance (1 of 4 stars; one submission).

Conditions:
Muscular dystrophy-dystroglycanopathy (congenital with brain and eye anomalies), type A13. Also called: WALKER-WARBURG SYNDROME OR MUSCLE-EYE-BRAIN DISEASE, B3GNT1-RELATED; Muscular dystrophy-dystroglycanopathy (congenital with brain and eye anomalies), type a, 13. Identifiers: Orphanet 899, MedGen C3809042, MONDO:0014120, OMIM 615287.

Allele frequency attached by ClinVar (database versions not stated): ExAC 0.00004.

Submission:

Labcorp Genetics (formerly Invitae), Labcorp
Classification: Uncertain significance for Muscular dystrophy-dystroglycanopathy (congenital with brain and eye anomalies), type A13. Last evaluated: 2022-04-05. Review status: criteria provided, single submitter. Criteria: Invitae Variant Classification Sherloc (09022015). Collection method: clinical testing. Allele origin: germline.
Comment: Algorithms developed to predict the effect of missense changes on protein structure and function are either unavailable or do not agree on the potential impact of this missense change (SIFT: "Tolerated"; PolyPhen-2: "Probably Damaging"; Align-GVGD: "Class C0"). This variant has not been reported in the literature in individuals affected with B4GAT1-related conditions. The frequency data for this variant in the population databases is considered unreliable, as metrics indicate poor data quality at this position in the gnomAD database. This sequence change replaces alanine, which is neutral and non-polar, with threonine, which is neutral and polar, at codon 98 of the B4GAT1 protein (p.Ala98Thr). In summary, the available evidence is currently insufficient to determine the role of this variant in disease. Therefore, it has been classified as a Variant of Uncertain Significance.

NM_006876.3(B4GAT1):c.292G>A (p.Ala98Thr)

Gene: B4GAT1 (beta-1,4-glucuronyltransferase 1; minus strand). Cytogenetic location: 11q13.2.
Variant type: single nucleotide variant.
Coding change: c.292G>A on transcript NM_006876.3 (MANE Select); coding-DNA position 292, G replaced by A.
Protein change: p.Ala98Thr; replaces alanine 98 with threonine.
Molecular consequence: missense variant.
Genome position (GRCh38, 1-based): chr11:66,347,254, C>T on the plus strand (G>A on the coding strand, the complement: B4GAT1 is on the minus strand). VCF-style: chr11-66347254-C-T. GRCh37 (hg19) VCF-style: chr11-66114725-C-T.
Other names: short protein forms A98T.
Identifiers: ClinVar variation 1936858 (VCV001936858.5), dbSNP rs749538656, ClinGen allele CA6120582.